The following is an entry in ClinVar:

ClinVar aggregate classification (germline): Uncertain significance (1 of 4 stars; one submission).

Conditions:
CREBBP-related disorder. Also called: CREBBP-related condition; CREBBP-related disorders.

Submission:

PreventionGenetics, part of Exact Sciences
Classification: Uncertain significance for CREBBP-related condition. Last evaluated: 2026-04-10. Review status: criteria provided, single submitter. Criteria: ACMG Guidelines, 2015. Collection method: clinical testing. Allele origin: germline.
Comment: The CREBBP c.2591C>T variant is predicted to result in the amino acid substitution p.Ala864Val. To our knowledge, this variant has not been reported in the literature or in a large population database (gnomAD), indicating this variant is rare. At this time, the clinical significance of this variant is uncertain due to the absence of conclusive functional and genetic evidence.

NM_004380.3(CREBBP):c.2591C>T (p.Ala864Val)

Gene: CREBBP (CREB binding lysine acetyltransferase; minus strand). Cytogenetic location: 16p13.3.
Variant type: single nucleotide variant.
Coding change: c.2591C>T on transcript NM_004380.3 (MANE Select); coding-DNA position 2591, C replaced by T.
Protein change: p.Ala864Val; replaces alanine 864 with valine.
Molecular consequence: missense variant.
Genome position (GRCh38, 1-based): chr16:3,770,859, G>A on the plus strand (C>T on the coding strand, the complement: CREBBP is on the minus strand). VCF-style: chr16-3770859-G-A. GRCh37 (hg19) VCF-style: chr16-3820860-G-A.
Other names: c.2477C>T, p.Ala826Val (NM_001079846.1); short protein forms A826V, A864V.
Identifiers: ClinVar variation 4992224 (VCV004992224.1).